The following is an entry in ClinVar:

ClinVar aggregate classification (germline): Uncertain significance. Review status: criteria provided, multiple submitters, no conflicts (2 of 4 stars). 2 submissions from 2 submitters: Uncertain significance (2). Last evaluated 2026-02-24.

Conditions:
Hereditary cancer-predisposing syndrome. Also called: Neoplastic Syndromes, Hereditary; Tumor predisposition; Hereditary Cancer Syndrome; Hereditary neoplastic syndrome. Identifiers: Orphanet 140162, MedGen C0027672, MeSH D009386, MONDO:0015356.
Microcephaly, normal intelligence and immunodeficiency (NBS). Also called: Nijmegen breakage syndrome; Microcephaly with normal intelligence immunodeficiency and lymphoreticular malignancies; Nonsyndromal microcephaly autosomal recessive with normal intelligence; Seemanova syndrome 2; IMMUNODEFICIENCY, MICROCEPHALY, AND CHROMOSOMAL INSTABILITY; SEEMANOVA SYNDROME II. Identifiers: Orphanet 647, MedGen C0398791, MONDO:0009623, OMIM 251260.

Submissions (2):

Ambry Genetics
Classification: Uncertain significance for Hereditary cancer-predisposing syndrome. Last evaluated: 2026-02-24. Review status: criteria provided, single submitter. Criteria: Ambry Variant Classification Scheme 2023. Collection method: clinical testing. Allele origin: germline.
Comment: The p.D677E variant (also known as c.2031T>A), located in coding exon 13 of the NBN gene, results from a T to A substitution at nucleotide position 2031. The aspartic acid at codon 677 is replaced by glutamic acid, an amino acid with highly similar properties. This amino acid position is conserved. In addition, this alteration is predicted to be tolerated by in silico analysis. Based on the available evidence, the clinical significance of this variant remains unclear.

Labcorp Genetics (formerly Invitae), Labcorp
Classification: Uncertain significance for Microcephaly, normal intelligence and immunodeficiency. Last evaluated: 2023-03-21. Review status: criteria provided, single submitter. Criteria: Invitae Variant Classification Sherloc (09022015). Collection method: clinical testing. Allele origin: germline.
Comment: This sequence change replaces aspartic acid, which is acidic and polar, with glutamic acid, which is acidic and polar, at codon 677 of the NBN protein (p.Asp677Glu). In summary, the available evidence is currently insufficient to determine the role of this variant in disease. Therefore, it has been classified as a Variant of Uncertain Significance. An algorithm developed to predict the effect of missense changes on protein structure and function (PolyPhen-2) suggests that this variant is likely to be tolerated. This variant has not been reported in the literature in individuals affected with NBN-related conditions. This variant is not present in population databases (gnomAD no frequency).

NM_002485.5(NBN):c.2031T>A (p.Asp677Glu)

Gene: NBN (nibrin; minus strand). Cytogenetic location: 8q21.3.
Variant type: single nucleotide variant.
Coding change: c.2031T>A on transcript NM_002485.5 (MANE Select); coding-DNA position 2031, T replaced by A.
Protein change: p.Asp677Glu; replaces aspartic acid 677 with glutamic acid.
Molecular consequence: missense variant.
Genome position (GRCh38, 1-based): chr8:89,946,179, A>T on the plus strand (T>A on the coding strand, the complement: NBN is on the minus strand). VCF-style: chr8-89946179-A-T. GRCh37 (hg19) VCF-style: chr8-90958407-A-T.
Other names: c.1785T>A, p.Asp595Glu (NM_001024688.3); short protein forms D595E, D677E.
Identifiers: ClinVar variation 2984515 (VCV002984515.4), dbSNP rs2130763845, ClinGen allele CA371676404.
Genomic context (GRCh38, chr8:89,946,179, plus strand): 5'-TGATACAGTTGAAATACCTACCTTTTTGAATTTCTTGAAATTTTTTAGTTGACCATAATC[A>T]TCATTTATGCCAGATGGATTTCTGGAAGTAGAGTTTTTAATCACCAGTGATCTAAATTCA-3'
Protein context (NP_002476.2, residues 667-687): STSRNPSGIN[Asp677Glu]DYGQLKNFKK